The following is an entry in ClinVar:

NM_001378964.1(CDON):c.1135C>T (p.Gln379Ter)

Gene: CDON (cell adhesion associated, oncogene regulated; minus strand). Cytogenetic location: 11q24.2.
Variant type: single nucleotide variant.
Coding change: c.1135C>T on transcript NM_001378964.1 (MANE Select); coding-DNA position 1135, C replaced by T.
Protein change: p.Gln379Ter; replaces glutamine 379 with a stop codon.
Molecular consequence: nonsense.
Genome position (GRCh38, 1-based): chr11:126,015,304, G>A on the plus strand (C>T on the coding strand, the complement: CDON is on the minus strand). VCF-style: chr11-126015304-G-A. GRCh37 (hg19) VCF-style: chr11-125885199-G-A.
Other names: c.1135C>T, p.Gln379Ter (NM_001243597.3, NM_016952.6); short protein forms Q379*.
Identifiers: ClinVar variation 2580490 (VCV002580490.2), dbSNP rs2497218667, ClinGen allele CA383210085.

ClinVar aggregate classification (germline): Uncertain significance (1 of 4 stars; one submission).

Allele frequency attached by ClinVar (database versions not stated): gnomAD exomes below 0.00001.
gnomAD v4.1: 1 of 1,613,958 alleles (0.000062%); highest among the groups gnomAD compares: Non-Finnish European, 0.000085%; no homozygotes.

Submission:

GeneDx
Classification: Uncertain significance. Last evaluated: 2025-12-30. Review status: criteria provided, single submitter. Criteria: GeneDx Variant Classification Process June 2021. Collection method: clinical testing. Allele origin: germline.
Comment: Nonsense variant predicted to result in protein truncation or nonsense mediated decay in a gene or region of a gene for which loss of function is not a well-established mechanism of disease; Not observed at significant frequency in large population cohorts (gnomAD); Has not been previously published as pathogenic or benign to our knowledge